The following is an entry in ClinVar:

ClinVar aggregate classification (germline): Likely pathogenic (1 of 4 stars; one submission).

Submission:

Laboratorio de Genetica e Diagnostico Molecular, Hospital Israelita Albert Einstein
Classification: Likely pathogenic. Last evaluated: 2021-07-06. Review status: criteria provided, single submitter. Criteria: ACMG Guidelines, 2015. Collection method: clinical testing. Allele origin: germline. Affected: yes.
Comment: ACMG classification criteria: PVS1, PM2

NM_173076.3(ABCA12):c.667C>T (p.Gln223Ter)

Gene: ABCA12 (ATP binding cassette subfamily A member 12; minus strand). Cytogenetic location: 2q35.
Variant type: single nucleotide variant.
Coding change: c.667C>T on transcript NM_173076.3 (MANE Select); coding-DNA position 667, C replaced by T.
Protein change: p.Gln223Ter; replaces glutamine 223 with a stop codon.
Molecular consequence: nonsense. On other transcripts: non-coding transcript variant (1).
Genome position (GRCh38, 1-based): chr2:215,049,652, G>A on the plus strand (C>T on the coding strand, the complement: ABCA12 is on the minus strand). VCF-style: chr2-215049652-G-A. GRCh37 (hg19) VCF-style: chr2-215914376-G-A.
Other names: short protein forms Q223*.
Identifiers: ClinVar variation 1690412 (VCV001690412.2), dbSNP rs2106054066, ClinGen allele CA350454264.